The following is an entry in ClinVar:

NM_001365480.1(CCDC88A):c.5182A>G (p.Ser1728Gly)

Gene: CCDC88A (coiled-coil and HOOK domain protein 88A; minus strand). Cytogenetic location: 2p16.1.
Variant type: single nucleotide variant.
Coding change: c.5182A>G on transcript NM_001365480.1 (MANE Select); coding-DNA position 5182, A replaced by G.
Protein change: p.Ser1728Gly; replaces serine 1728 with glycine.
Molecular consequence: missense variant.
Genome position (GRCh38, 1-based): chr2:55,295,966, T>C on the plus strand (A>G on the coding strand, the complement: CCDC88A is on the minus strand). VCF-style: chr2-55295966-T-C. GRCh37 (hg19) VCF-style: chr2-55523102-T-C.
Other names: c.5179A>G, p.Ser1727Gly (NM_001254943.2, NM_001135597.2); c.5098A>G, p.Ser1700Gly (NM_018084.5); short protein forms S1728G, S1700G, S1727G.
Identifiers: ClinVar variation 2001959 (VCV002001959.4), dbSNP rs2529531485, ClinGen allele CA346912024.
Genomic context (GRCh38, chr2:55,295,966, plus strand): 5'-TCCGTCTATCATAGAAGTCCCCTGGGGTTTTTCCACTTACTGACCTGGCCAGACCACAGC[T>C]AACTGGTTTGTCTTTTCCCAAAAAGTCAGAAGAGACAGACAAACTTTTCATTACTTCATC-3'
Protein context (NP_001352409.1, residues 1718-1738): SDFLGKDKPV[Ser1728Gly]CGLARSVSGK

ClinVar aggregate classification (germline): Uncertain significance (1 of 4 stars; one submission).

Submission:

Labcorp Genetics (formerly Invitae), Labcorp
Classification: Uncertain significance. Last evaluated: 2022-06-02. Review status: criteria provided, single submitter. Criteria: Invitae Variant Classification Sherloc (09022015). Collection method: clinical testing. Allele origin: germline.
Comment: This sequence change replaces serine, which is neutral and polar, with glycine, which is neutral and non-polar, at codon 1727 of the CCDC88A protein (p.Ser1727Gly). In summary, the available evidence is currently insufficient to determine the role of this variant in disease. Therefore, it has been classified as a Variant of Uncertain Significance. Algorithms developed to predict the effect of missense changes on protein structure and function (SIFT, PolyPhen-2, Align-GVGD) all suggest that this variant is likely to be tolerated. This variant has not been reported in the literature in individuals affected with CCDC88A-related conditions. This variant is not present in population databases (gnomAD no frequency).